The following is an entry in ClinVar:

ClinVar aggregate classification (germline): Uncertain significance (1 of 4 stars; one submission).

Allele frequency attached by ClinVar (database versions not stated): gnomAD 0.00001; TOPMed 0.00002.

Submission:

Labcorp Genetics (formerly Invitae), Labcorp
Classification: Uncertain significance. Last evaluated: 2023-06-17. Review status: criteria provided, single submitter. Criteria: Invitae Variant Classification Sherloc (09022015). Collection method: clinical testing. Allele origin: germline.
Comment: In summary, the available evidence is currently insufficient to determine the role of this variant in disease. Therefore, it has been classified as a Variant of Uncertain Significance. Advanced modeling of protein sequence and biophysical properties (such as structural, functional, and spatial information, amino acid conservation, physicochemical variation, residue mobility, and thermodynamic stability) has been performed at Invitae for this missense variant, however the output from this modeling did not meet the statistical confidence thresholds required to predict the impact of this variant on KMT2B protein function. This variant has not been reported in the literature in individuals affected with KMT2B-related conditions. The frequency data for this variant in the population databases is considered unreliable, as metrics indicate insufficient coverage at this position in the gnomAD database. This sequence change replaces arginine, which is basic and polar, with histidine, which is basic and polar, at codon 33 of the KMT2B protein (p.Arg33His).

NM_014727.3(KMT2B):c.98G>A (p.Arg33His)

Genes: KMT2B (lysine methyltransferase 2B; plus strand), LOC130064257 (ATAC-STARR-seq lymphoblastoid silent region 10534; plus strand). Cytogenetic location: 19q13.12.
Variant type: single nucleotide variant.
Coding change: c.98G>A on transcript NM_014727.3 (MANE Select); coding-DNA position 98, G replaced by A.
Protein change: p.Arg33His; replaces arginine 33 with histidine.
Molecular consequence: missense variant.
Genome position (GRCh38, 1-based): chr19:35,718,116, G>A. VCF-style: chr19-35718116-G-A. GRCh37 (hg19) VCF-style: chr19-36209018-G-A.
Other names: short protein forms R33H.
Identifiers: ClinVar variation 2984581 (VCV002984581.3), dbSNP rs1286340108, ClinGen allele CA405374471.